The following is an entry in ClinVar:

ClinVar aggregate classification (germline): Likely benign. Review status: reviewed by expert panel (3 of 4 stars). 2 submissions from 2 submitters: Likely benign (1). 1 of the submissions does not count toward it. Last evaluated 2026-05-21.

Conditions:
Ornithine carbamoyltransferase deficiency (OTCD). Also called: OTC DEFICIENCY; ORNITHINE TRANSCARBAMYLASE DEFICIENCY; ORNITHINE TRANSCARBAMYLASE DEFICIENCY, HYPERAMMONEMIA DUE TO; Ornithine Carbamoyltransferase Deficiency Disease. Identifiers: Orphanet 664, MedGen C0268542, MONDO:0010703, OMIM 311250.

Submissions (2):

Clingen Urea Cycle Disorders Variant Curation Expert Panel, ClinGen
Classification: Likely benign for Ornithine carbamoyltransferase deficiency. Last evaluated: 2026-05-21. Review status: reviewed by expert panel. Criteria: ClinGen UreaCycles ACMG Specifications OTC V1.0. Collection method: curation. Allele origin: germline. Inheritance: X-linked inheritance.
Comment: The NM_000531.6:c.354G>A variant in OTC is a synonymous (silent) variant (p.Leu118=) that is not predicted to impact splicing (spliceAI = 0.01) (BP4, BP7). To our knowledge, this variant has not been reported in the literature and results of functional studies are unavailable. The Grpmax Filtered allele frequency in gnomAD v4.1.0 is 0.000006758 which is lower than the ClinGen UCD VCEP’s threshold for PM2_Supporting (<0.000015) but there are 2 hemizygotes/homozygotes across all populations (PM2_Supporting, BS1, and BA1 are not met). In summary, this variant meets the criteria to be classified as a Likely Benign for OTC deficiency based on the ACMG/AMP criteria applied, as specified by the ClinGen Urea Cycle Disorders Variant Curation Expert Panel (OTC specifications version 1.0.0): BP4, BP7

GeneDx
Classification: Uncertain significance. Last evaluated: 2016-11-28. Review status: criteria provided, single submitter. Criteria: GeneDx Variant Classification (06012015). Collection method: clinical testing. Allele origin: germline. Affected: yes. Not counted in ClinVar's aggregate classification.
Comment: The c.354G>A variant in the OTC gene has not been reported previously as a pathogenic variant nor as a benign variant, to our knowledge. In silico algorithms do not predict the natural splice donor site of intron 4, however a cryptic splice donor site in exon 4 is predicted and is expected to cause abnormal gene splicing. However, in the absence of RNA/functional studies, the actual effect of c.354G>A in this individual is unknown. The c.354G>A variant was not observed in approximately 6,500 individuals of European and African American ancestry in the NHLBI Exome Sequencing Project, indicating it is not a common benign variant in these populations. We interpret c.354G>A as a variant of uncertain significance.

NM_000531.6(OTC):c.354G>A (p.Leu118=)

Gene: OTC (ornithine transcarbamylase; plus strand). Cytogenetic location: Xp11.4.
Variant type: single nucleotide variant.
Coding change: c.354G>A on transcript NM_000531.6 (MANE Select); coding-DNA position 354, G replaced by A.
Protein change: p.Leu118=; no amino-acid change (leucine 118 retained).
Molecular consequence: synonymous variant.
Genome position (GRCh38, 1-based): chrX:38,381,397, G>A. VCF-style: chrX-38381397-G-A. GRCh37 (hg19) VCF-style: chrX-38240650-G-A.
Other names: NM_000531.6(OTC):c.354G>A; p.Leu118=.
Identifiers: ClinVar variation 373669 (VCV000373669.3), dbSNP rs1057518540, ClinGen allele CA16043244.